The following is an entry in ClinVar:

ClinVar aggregate classification (germline): Conflicting classifications of pathogenicity. Review status: criteria provided, conflicting classifications (1 of 4 stars). 7 submissions from 7 submitters: Likely pathogenic (5); Uncertain significance (1). 1 of the submissions does not count toward it. Last evaluated 2026-02-24.

Conditions:
BCHE-related disorder. Also called: BCHE-related condition.
Deficiency of butyrylcholinesterase (BCHED). Also called: Butyrylcholinesterase deficiency; Acholinesterasemia; Deficiency of butyrylcholine esterase; BCHE, silent 1. Identifiers: Orphanet 132, MedGen C1283400, MONDO:0015270, OMIM 617936.
BCHE, flouride 1. Also called: BCHE, fluoride-resistant I. Identifiers: MedGen CN322688.

Allele frequency attached by ClinVar (database versions not stated): gnomAD 0.00057 and 0.00058; TOPMed 0.00064; 1000 Genomes Project 0.00040; gnomAD exomes 0.00044; 1000 Genomes Project 30x 0.00031; ExAC 0.00039.
gnomAD v4.1: 1,206 of 1,613,898 alleles (0.075%); highest among the groups gnomAD compares: Middle Eastern, 0.13%; 1 homozygote.

Submissions (7):

Women's Health and Genetics/Laboratory Corporation of America, LabCorp
Classification: Likely pathogenic for Deficiency of butyrylcholinesterase. Last evaluated: 2026-02-24. Review status: criteria provided, single submitter. Criteria: LabCorp Variant Classification Summary - May 2015. Collection method: clinical testing. Allele origin: germline.
Comment: Variant summary: BCHE c.812C>T (p.Thr271Met) results in a non-conservative amino acid change located in the Carboxylesterase, type B domain (IPR002018) of the encoded protein sequence. Algorithms developed to predict the effect of missense changes on protein structure and function all suggest that this variant is likely to be disruptive. The variant allele was found at a frequency of 0.00044 in 250754 control chromosomes. This frequency is not significantly higher than estimated for disease-causing variants in BCHE, allowing no conclusion about variant significance. c.812C>T has been reported in the literature among compound heterozygous individuals affected with a deficiency of butyrylcholine esterase manifesting as the fluoride-resistant phenotype (example, Nogueira_1992, Yen_2003 and LaDu_1990). It has subsequently been cited in the literature (example, LaDu_1991 and Lando_2003). These data indicate that the variant is likely to be associated with disease. To our knowledge, no experimental evidence demonstrating an impact on protein function has been reported although a decrease in the number of carbohydrate chains per subunit, from nine to eight, has been attributed to the loss of Threonine residue in this variant (Nogueira_1992). The following publications have been ascertained in the context of this evaluation (PMID: 31589614, 38523675, 2013061, 2253336, 12724618, 33010031, 1415224, 12881446). ClinVar contains an entry for this variant (Variation ID: 13218). Based on the evidence outlined above, the variant was classified as likely pathogenic.

Dasa
Classification: Likely pathogenic. Last evaluated: 2025-12-22. Review status: criteria provided, single submitter. Criteria: DASA Assertion Criteria. Collection method: clinical testing. Allele origin: germline.
Comment: NM_000055.4(BCHE):c.812C>T (p.Thr271Met) is a missense variant that results in the substitution of threonine with methionine. This variant has been recurrently observed in individuals with BCHE-related disorders (PMID: 12881446; PMID: 12724618; PMID: 1415224). Also, this variant is rare in population databases. Computational evidence supports a deleterious effect. Based on the currently available evidence, this variant is classified as likely pathogenic.

PreventionGenetics, part of Exact Sciences
Classification: Likely pathogenic for BCHE-related condition. Last evaluated: 2025-05-27. Review status: criteria provided, single submitter. Criteria: ACMG Guidelines, 2015. Collection method: clinical testing. Allele origin: germline.
Comment: The BCHE c.812C>T variant is predicted to result in the amino acid substitution p.Thr271Met. This variant (also known as the fluoride-1, flu-1, or F-1 variant) was described in individuals with reduced butyrylcholinesterase activity (Nogueira et al. 1992. PubMed ID: 1415224; Yen et al. 2003. PubMed ID: 12881446; La Du et al. 1991. PubMed ID: 2013061; Lando et al. 2003. PubMed ID: 12724618). This variant is also referred to as Thr243Met in the literature. This variant is reported in 0.075% of alleles in individuals of European (Non-Finnish) descent in gnomAD. This variant is interpreted as likely pathogenic.

GeneDx
Classification: Uncertain significance. Last evaluated: 2024-11-26. Review status: criteria provided, single submitter. Criteria: GeneDx Variant Classification Process June 2021. Collection method: clinical testing. Allele origin: germline. Affected: yes.
Comment: Classified by the PharmGKB project as a polymorphism associated with prolonged apnea, with alternate names listed as F-Variant, BCHE*243M, and Thr243Met (PMID: 26398623); In silico analysis indicates that this missense variant does not alter protein structure/function; This variant is associated with the following publications: (PMID: 2253336, 11928765, 13711731, 15563885, 12724618, 2013061, 12881446, 31589614, 37079615, 1415224, 26398623, 33010031)

Department of Pathology and Laboratory Medicine, Sinai Health System
Classification: Likely pathogenic for butyrylcholinesterase deficiency. Last evaluated: 2023-01-12. Review status: criteria provided, single submitter. Criteria: ACMG Guidelines, 2015. Collection method: research. Allele origin: germline.

Illumina Laboratory Services, Illumina
Classification: Likely pathogenic for Deficiency of butyrylcholinesterase. Last evaluated: 2019-01-10. Review status: criteria provided, single submitter. Criteria: ICSL Variant Classification Criteria 09 May 2019. Collection method: clinical testing. Allele origin: germline.
Comment: The BCHE c.812C>T (p.Thr271Met) missense variant, also known as p.Thr243Met, is one of two known fluoride-resistant variants that affect sensitivity to succinylcholine. This variant has been reported in at least three studies and was found in a total of five probands, including in four in a compound heterozygous state, two of whom were related, and in one in a heterozygous state (Nogueira et al. 1992; Lando et al. 2003; Yen et al. 2003). Two additional related individuals with this variant were also reported by La Du et al. (1990). Control data are not available for this variant, which is reported at a frequency of 0.00091 in the African American population of the Exome Sequencing Project. The p.Thr271Met variant affects a glycosylation site on the BCHE protein, reducing the number of carbohydrate chains attached to the mature protein (Nogueira et al. 1992). Based on the evidence, the p.Thr271Met variant is classified as likely pathogenic for butyrylcholinesterase deficiency. This variant was observed by ICSL as part of a predisposition screen in an ostensibly healthy population.

OMIM
Classification: Pathogenic for BCHE, FLUORIDE 1. Last evaluated: 1992-10-01. Review status: no assertion criteria provided. Collection method: literature only. Allele origin: germline. Not counted in ClinVar's aggregate classification.

Literature cited by the submitters: PubMed 2013061 (cited by Women's Health and Genetics/Laboratory Corporation of America, LabCorp and OMIM); PubMed 2253336 (cited by 3 submitters); PubMed 12724618 (cited by 3 submitters); PubMed 1415224 (cited by 4 submitters); PubMed 12881446 (cited by 3 submitters); PubMed 31589614 (cited by Women's Health and Genetics/Laboratory Corporation of America, LabCorp); PubMed 33010031 (cited by Women's Health and Genetics/Laboratory Corporation of America, LabCorp); PubMed 38523675 (cited by Women's Health and Genetics/Laboratory Corporation of America, LabCorp); PubMed 13711731 (cited by OMIM).

NM_000055.2(BCHE):c.812C>T (p.Thr271Met)

Gene: BCHE (butyrylcholinesterase; minus strand). Cytogenetic location: 3q26.1.
Variant type: single nucleotide variant.
Coding change: c.812C>T on transcript NM_000055.2; coding-DNA position 812, C replaced by T.
Protein change: p.Thr271Met; replaces threonine 271 with methionine.
Molecular consequence: missense variant (on NM_000055.4). On other transcripts: non-coding transcript variant (1).
Genome position (GRCh38, 1-based): chr3:165,830,222, G>A on the plus strand (C>T on the coding strand, the complement: BCHE is on the minus strand). VCF-style: chr3-165830222-G-A. GRCh37 (hg19) VCF-style: chr3-165548010-G-A.
Other names: T243M; BCHE*243M; c.812C>T, p.Thr271Met (NM_000055.4); short protein forms T271M.
Identifiers: ClinVar variation 13218 (VCV000013218.14), dbSNP rs28933389, ClinGen allele CA122965.
Genomic context (GRCh38, chr3:165,830,222, plus strand): 5'-CACTTGATTATTTCAGTCTCATTCTCTCTAGAGCAACCAGTCAATTTAGCTAAGTTCAAC[G>A]TTCTGTTCCTAGCTTCATAAAGAGATGTTACCGCCCAAGGAGCATTAAAGGATCCACTTT-3'
Protein context (NP_000046.1, residues 261-281): VTSLYEARNR[Thr271Met]LNLAKLTGCS